The following is an entry in ClinVar:

ClinVar aggregate classification (germline): Conflicting classifications of pathogenicity. Review status: criteria provided, conflicting classifications (1 of 4 stars). 4 submissions from 4 submitters: Pathogenic (1); Likely pathogenic (2); Uncertain significance (1). Last evaluated 2022-05-04.

Conditions:
Inborn genetic diseases. Identifiers: MedGen C0950123, MeSH D030342.
Mitochondrial complex III deficiency nuclear type 2. Identifiers: MedGen C3554605, MONDO:0014063, OMIM 615157.

Allele frequency attached by ClinVar (database versions not stated): gnomAD 0.00001; gnomAD exomes 0.00002 and 0.00005; TOPMed 0.00002; ExAC 0.00009.

Submissions (4):

Mendelics
Classification: Pathogenic for Mitochondrial complex III deficiency nuclear type 2. Last evaluated: 2022-05-04. Review status: criteria provided, single submitter. Criteria: Mendelics Assertion Criteria 2019. Collection method: clinical testing. Allele origin: germline.

Greenwood Genetic Center Diagnostic Laboratories, Greenwood Genetic Center
Classification: Uncertain significance. Last evaluated: 2020-08-18. Review status: criteria provided, single submitter. Criteria: ACMG Guidelines, 2015. Collection method: clinical testing. Allele origin: germline. Affected: yes.

Ambry Genetics
Classification: Likely pathogenic for Inborn genetic diseases. Last evaluated: 2017-12-18. Review status: criteria provided, single submitter. Criteria: Ambry exome assertion method (8-5-2015). Collection method: clinical testing. Allele origin: germline. Affected: yes. Observed: 1 variant allele.

GeneDx
Classification: Likely pathogenic. Last evaluated: 2017-03-30. Review status: criteria provided, single submitter. Criteria: GeneDx Variant Classification (06012015). Collection method: clinical testing. Allele origin: germline. Affected: yes.
Comment: The c.1 A>G variant has not been published as a pathogenic variant, nor has it been reported as a benign variant to our knowledge. The c.1 A>G variant is not observed at a significant frequency in large population cohorts (Lek et al., 2016; 1000 Genomes Consortium et al., 2015; Exome Variant Server). This variant alters the initiator Methionine codon, and the resultant protein would be described as p.Met1?" using a question mark to signify that it is not known if the loss of Met1 means that all protein translation is completely prevented or if an abnormal protein is produced using an alternate Met. Other loss of function variants in TTC19 have previously been reported in association with mitochondrial complex III deficiency (Stenson et al., 2014). In summary, we interpret c.1 A>G to be a likely pathogenic variant."

NM_017775.4(TTC19):c.1A>G (p.Met1Val)

Genes: TTC19 (tetratricopeptide repeat domain 19; plus strand), LOC130060311 (ATAC-STARR-seq lymphoblastoid silent region 8214; plus strand). Cytogenetic location: 17p12.
Variant type: single nucleotide variant.
Coding change: c.1A>G on transcript NM_017775.4 (MANE Select); coding-DNA position 1, A replaced by G.
Protein change: p.Met1Val; changes the start codon (methionine 1).
Molecular consequence: missense variant, initiator codon variant. On other transcripts: 5 prime UTR variant (1).
Genome position (GRCh38, 1-based): chr17:15,999,849, A>G. VCF-style: chr17-15999849-A-G. GRCh37 (hg19) VCF-style: chr17-15903163-A-G.
Other names: c.-458A>G (NM_001271420.2); short protein forms M1V.
Identifiers: ClinVar variation 488973 (VCV000488973.11), dbSNP rs749196122, ClinGen allele CA8407232.
Genomic context (GRCh38, chr17:15,999,849, plus strand): 5'-CGCGTGGTCGGGGGCCAGGAGCGCGTCTGGCCTGCAGTGCGCAGAGGACGCGGCGGGAGC[A>G]TGTTCCGGCTCCTGAGCTGGAGCCTGGGCCGAGGCTTCCTGCGGGCCGCGGGGCGGCGGT-3'
Protein context (NP_060245.3, residues 1-11): [Met1Val]FRLLSWSLGR